The following is an entry in ClinVar:

NM_177438.3(DICER1):c.438G>A (p.Gln146=)

Gene: DICER1 (dicer 1, ribonuclease III; minus strand). Cytogenetic location: 14q32.13.
Variant type: single nucleotide variant.
Coding change: c.438G>A on transcript NM_177438.3 (MANE Select); coding-DNA position 438, G replaced by A.
Protein change: p.Gln146=; no amino-acid change (glutamine 146 retained).
Molecular consequence: synonymous variant.
Genome position (GRCh38, 1-based): chr14:95,131,509, C>T on the plus strand (G>A on the coding strand, the complement: DICER1 is on the minus strand). VCF-style: chr14-95131509-C-T. GRCh37 (hg19) VCF-style: chr14-95597846-C-T.
Other names: c.438G>A, p.Gln146= (NM_001195573.1, NM_001271282.3, NM_001291628.2 and 1 more transcripts).
Identifiers: ClinVar variation 665602 (VCV000665602.8), dbSNP rs1595462673, ClinGen allele CA487633972.

ClinVar aggregate classification (germline): Uncertain significance (1 of 4 stars; one submission).

Conditions:
DICER1-related tumor predisposition. Also called: DICER1 syndrome; DICER1-related pleuropulmonary blastoma cancer predisposition syndrome. Identifiers: Orphanet 284343, MedGen C3839822, MONDO:0100216.

Submission:

Labcorp Genetics (formerly Invitae), Labcorp
Classification: Uncertain significance for DICER1-related tumor predisposition. Last evaluated: 2018-11-20. Review status: criteria provided, single submitter. Criteria: Invitae Variant Classification Sherloc (09022015). Collection method: clinical testing. Allele origin: germline.
Comment: This variant has not been reported in the literature in individuals with DICER1-related disease. This sequence change affects codon 146 of the DICER1 mRNA. It is a 'silent' change, meaning that it does not change the encoded amino acid sequence of the DICER1 protein. This variant also falls at the last nucleotide of exon 4 of the DICER1 coding sequence, which is part of the consensus splice site for this exon. This variant is not present in population databases (ExAC no frequency). Nucleotide substitutions within the consensus splice site are a relatively common cause of aberrant splicing (PMID: 17576681, 9536098). Algorithms developed to predict the effect of sequence changes on RNA splicing suggest that this variant may disrupt the consensus splice site, but this prediction has not been confirmed by published transcriptional studies. In summary, the available evidence is currently insufficient to determine the role of this variant in disease. Therefore, it has been classified as a Variant of Uncertain Significance.

Literature cited by the submitters: PubMed 17576681; PubMed 9536098.